The following is an entry in ClinVar:

NM_014363.6(SACS):c.4594G>C (p.Asp1532His)

Gene: SACS (sacsin molecular chaperone; minus strand). Cytogenetic location: 13q12.12.
Variant type: single nucleotide variant.
Coding change: c.4594G>C on transcript NM_014363.6 (MANE Select); coding-DNA position 4594, G replaced by C.
Protein change: p.Asp1532His; replaces aspartic acid 1532 with histidine.
Molecular consequence: missense variant.
Genome position (GRCh38, 1-based): chr13:23,339,282, C>G on the plus strand (G>C on the coding strand, the complement: SACS is on the minus strand). VCF-style: chr13-23339282-C-G. GRCh37 (hg19) VCF-style: chr13-23913421-C-G.
Other names: c.4153G>C, p.Asp1385His (NM_001278055.2); c.4621G>C, p.Asp1541His (NM_001437336.1); short protein forms D1385H, D1532H, D1541H.
Identifiers: ClinVar variation 4755965 (VCV004755965.1).

ClinVar aggregate classification (germline): Uncertain significance (1 of 4 stars; one submission).

gnomAD v4.1: 5 of 1,604,658 alleles (0.00031%); highest among the groups gnomAD compares: Admixed American, 0.0069%; no homozygotes.

Submission:

GeneDx
Classification: Uncertain significance. Last evaluated: 2025-08-04. Review status: criteria provided, single submitter. Criteria: GeneDx Variant Classification Process June 2021. Collection method: clinical testing. Allele origin: germline. Affected: yes.
Comment: Not observed at significant frequency in large population cohorts (gnomAD); In silico analysis supports that this missense variant has a deleterious effect on protein structure/function; Has not been previously published as pathogenic or benign to our knowledge